The following is an entry in ClinVar:

NM_001040142.2(SCN2A):c.3517G>A (p.Glu1173Lys)

Gene: SCN2A (sodium voltage-gated channel alpha subunit 2; plus strand). Cytogenetic location: 2q24.3.
Variant type: single nucleotide variant.
Coding change: c.3517G>A on transcript NM_001040142.2 (MANE Select); coding-DNA position 3517, G replaced by A.
Protein change: p.Glu1173Lys; replaces glutamic acid 1173 with lysine.
Molecular consequence: missense variant.
Genome position (GRCh38, 1-based): chr2:165,365,260, G>A. VCF-style: chr2-165365260-G-A. GRCh37 (hg19) VCF-style: chr2-166221770-G-A.
Other names: c.3517G>A, p.Glu1173Lys (NM_001040143.2, NM_001371246.1, NM_001371247.1 and 1 more transcripts); short protein forms E1173K.
Identifiers: ClinVar variation 2145093 (VCV002145093.4), dbSNP rs764396478, ClinGen allele CA1940116.

ClinVar aggregate classification (germline): Uncertain significance (1 of 4 stars; one submission).

Conditions:
Seizures, benign familial infantile, 3 (BFIS3). Also called: Familial neonatal seizures; CONVULSIONS, BENIGN FAMILIAL INFANTILE, 3. Identifiers: Orphanet 140927, Orphanet 306, MedGen C1843140, MONDO:0011904, OMIM 607745.
Developmental and epileptic encephalopathy, 11 (DEE11). Also called: Early infantile epileptic encephalopathy 11. Identifiers: Orphanet 1934, MedGen C3150987, MONDO:0013388, OMIM 613721.

Allele frequency attached by ClinVar (database versions not stated): ExAC 0.00001; gnomAD 0.00001.
gnomAD v4.1: 2 of 1,613,660 alleles (0.00012%); highest among the groups gnomAD compares: Non-Finnish European, 0.00017%; no homozygotes.

Submission:

Labcorp Genetics (formerly Invitae), Labcorp
Classification: Uncertain significance for Seizures, benign familial infantile, 3; Developmental and epileptic encephalopathy, 11. Last evaluated: 2025-01-20. Review status: criteria provided, single submitter. Criteria: Invitae Variant Classification Sherloc (09022015). Collection method: clinical testing. Allele origin: germline.
Comment: This sequence change replaces glutamic acid, which is acidic and polar, with lysine, which is basic and polar, at codon 1173 of the SCN2A protein (p.Glu1173Lys). The frequency data for this variant in the population databases is considered unreliable, as metrics indicate poor data quality at this position in the gnomAD database. This variant has not been reported in the literature in individuals affected with SCN2A-related conditions. ClinVar contains an entry for this variant (Variation ID: 2145093). Invitae Evidence Modeling of protein sequence and biophysical properties (such as structural, functional, and spatial information, amino acid conservation, physicochemical variation, residue mobility, and thermodynamic stability) has been performed for this missense variant. However, the output from this modeling did not meet the statistical confidence thresholds required to predict the impact of this variant on SCN2A protein function. In summary, the available evidence is currently insufficient to determine the role of this variant in disease. Therefore, it has been classified as a Variant of Uncertain Significance.